The following is an entry in ClinVar:

ClinVar aggregate classification (germline): Uncertain significance (1 of 4 stars; one submission).

Conditions:
Wilson disease (WND). Also called: Wilson's disease. Identifiers: Orphanet 905, MedGen C0019202, MONDO:0010200, OMIM 277900. Disease mechanism: loss of function.

gnomAD v4.1: 3 of 1,614,194 alleles (0.00019%); highest among the groups gnomAD compares: South Asian, 0.0033%; no homozygotes.

Submission:

Labcorp Genetics (formerly Invitae), Labcorp
Classification: Uncertain significance for Wilson disease. Last evaluated: 2022-01-15. Review status: criteria provided, single submitter. Criteria: Invitae Variant Classification Sherloc (09022015). Collection method: clinical testing. Allele origin: germline.
Comment: In summary, the available evidence is currently insufficient to determine the role of this variant in disease. Therefore, it has been classified as a Variant of Uncertain Significance. Advanced modeling of protein sequence and biophysical properties (such as structural, functional, and spatial information, amino acid conservation, physicochemical variation, residue mobility, and thermodynamic stability) performed at Invitae indicates that this missense variant is not expected to disrupt ATP7B protein function. This variant has not been reported in the literature in individuals affected with ATP7B-related conditions. This variant is present in population databases (no rsID available, gnomAD 0.003%). This sequence change replaces methionine, which is neutral and non-polar, with leucine, which is neutral and non-polar, at codon 556 of the ATP7B protein (p.Met556Leu).

NM_000053.4(ATP7B):c.1666A>C (p.Met556Leu)

Gene: ATP7B (ATPase copper transporting beta; minus strand). Cytogenetic location: 13q14.3.
Variant type: single nucleotide variant.
Coding change: c.1666A>C on transcript NM_000053.4 (MANE Select); coding-DNA position 1666, A replaced by C.
Protein change: p.Met556Leu; replaces methionine 556 with leucine.
Molecular consequence: missense variant.
Genome position (GRCh38, 1-based): chr13:51,968,485, T>G on the plus strand (A>C on the coding strand, the complement: ATP7B is on the minus strand). VCF-style: chr13-51968485-T-G. GRCh37 (hg19) VCF-style: chr13-52542621-T-G.
Other names: c.1666A>C, p.Met556Leu (NM_001330579.2, NM_001406511.1, NM_001406512.1 and 26 more transcripts); c.1633A>C, p.Met545Leu (NM_001406514.1, NM_001406524.1); c.1570A>C, p.Met524Leu (NM_001406517.1, NM_001406518.1, NM_001406530.1 and 3 more transcripts); c.1237A>C, p.Met413Leu (NM_001406539.1); c.1333A>C, p.Met445Leu (NM_001243182.2); short protein forms M413L, M445L, M524L, M556L, M545L.
Identifiers: ClinVar variation 2179932 (VCV002179932.4), dbSNP rs200212457, ClinGen allele CA388032791.
Genomic context (GRCh38, chr13:51,968,485, plus strand): 5'-ACGCACCCACAGTACTTACTGTCAGCTCAATGTTGCCATCGGAGCCTGCGTAGTCCTCCA[T>G]GACTGCTGCCTCAAAACCCAGGTCCTGGATGAACTGAGCTATCTCGAGGGGCTGGATGAC-3'
Protein context (NP_000044.2, residues 546-566): IQDLGFEAAV[Met556Leu]EDYAGSDGNI